The following is an entry in ClinVar:

NM_001034853.2(RPGR):c.453T>G (p.Thr151=)

Gene: RPGR (retinitis pigmentosa GTPase regulator; minus strand). Cytogenetic location: Xp11.4.
Variant type: single nucleotide variant.
Coding change: c.453T>G on transcript NM_001034853.2 (MANE Select); coding-DNA position 453, T replaced by G.
Protein change: p.Thr151=; no amino-acid change (threonine 151 retained).
Molecular consequence: synonymous variant. On other transcripts: non-coding transcript variant (6).
Genome position (GRCh38, 1-based): chrX:38,318,845, A>C on the plus strand (T>G on the coding strand, the complement: RPGR is on the minus strand). VCF-style: chrX-38318845-A-C. GRCh37 (hg19) VCF-style: chrX-38178098-A-C.
Other names: NM_001034853.2(RPGR):c.453T>G; p.Thr151=; c.453T>G, p.Thr151= (NM_000328.3, NM_001367245.1, NM_001367246.1 and 3 more transcripts); c.483T>G, p.Thr161= (NM_001367248.1); c.450T>G, p.Thr150= (NM_001367249.1).
Identifiers: ClinVar variation 2904352 (VCV002904352.5), dbSNP rs759398299, ClinGen allele CA10385658.

ClinVar aggregate classification (germline): Likely benign. Review status: reviewed by expert panel (3 of 4 stars). 3 submissions from 3 submitters: Likely benign (1). 2 of the submissions do not count toward it. Last evaluated 2026-11-20.

Conditions:
RPGR-related retinopathy. Also called: RPGR retinopathy. Identifiers: MedGen CN305589, MONDO:0100437.
Primary ciliary dyskinesia. Also called: Ciliary dyskinesia. Identifiers: Orphanet 244, MedGen C0008780, MONDO:0016575, HP:0012265.

Allele frequency attached by ClinVar (database versions not stated): ExAC 0.00001; gnomAD 0.00001; TOPMed below 0.00001.
gnomAD v4.1: 7 of 1,210,404 alleles (0.00058%); highest among the groups gnomAD compares: South Asian, 0.0088%; no homozygotes.

Submissions (3):

ClinGen X-linked Inherited Retinal Disease Variant Curation Expert Panel, ClinGen
Classification: Likely benign for RPGR-related retinopathy. Last evaluated: 2026-11-20. Review status: reviewed by expert panel. Criteria: ClinGen X LinkedIRD ACMG Specifications RPGR V1.0.0. Collection method: curation. Allele origin: germline. Inheritance: X-linked inheritance.
Comment: NM_001034853.2(RPGR):c.453T>G (p.Thr151=) is a silent variant at codon 151 that does not have an impact on splicing sites, according to Splice AI, which predicts a delta score of 0.01 for all splicing types, which is below the ClinGen X-linked IRD VCEP recommended threshold of <0.1 and does not strongly predict an impact on splicing (BP7, BP4). This variant is present in gnomAD v.4.1.2 at a frequency of 0.00001005 among hemizygous individuals, with 4 variant alleles / 397944 total hemizygous alleles, which is higher than the ClinGen X-linked IRD VCEP BS1 threshold of > 0.000005 (BS1). In summary, this variant is classified as likely benign for RPGR-related retinopathy based on the ClinGen X-linked Inherited Retinal Disease Expert Panel Specifications to the ACMG/AMP Variant Interpretation Guidelines for RPGR, Version 1.0.0, using the following evidence codes: BS1, BP4, and BP7.

Labcorp Genetics (formerly Invitae), Labcorp
Classification: Likely benign for Primary ciliary dyskinesia. Last evaluated: 2023-02-11. Review status: criteria provided, single submitter. Criteria: Invitae Variant Classification Sherloc (09022015). Collection method: clinical testing. Allele origin: germline. Not counted in ClinVar's aggregate classification.

Blueprint Genetics
Classification: Likely benign. Last evaluated: 2022-11-01. Review status: criteria provided, single submitter. Criteria: ACMG Guidelines, 2015. Collection method: clinical testing. Allele origin: germline. Not counted in ClinVar's aggregate classification.